The following is an entry in ClinVar:

NM_014314.4(RIGI):c.1723C>T (p.Arg575Ter)

Gene: RIGI (RNA sensor RIG-I; minus strand). Cytogenetic location: 9p21.1.
Variant type: single nucleotide variant.
Coding change: c.1723C>T on transcript NM_014314.4 (MANE Select); coding-DNA position 1723, C replaced by T.
Protein change: p.Arg575Ter; replaces arginine 575 with a stop codon.
Molecular consequence: nonsense.
Genome position (GRCh38, 1-based): chr9:32,480,270, G>A on the plus strand (C>T on the coding strand, the complement: RIGI is on the minus strand). VCF-style: chr9-32480270-G-A. GRCh37 (hg19) VCF-style: chr9-32480268-G-A.
Other names: c.1717C>T, p.Arg573Ter (NM_001385907.1); c.1723C>T, p.Arg575Ter (NM_001385909.1); c.1282C>T, p.Arg428Ter (NM_001385910.1); c.1114C>T, p.Arg372Ter (NM_001385912.1); c.1708C>T, p.Arg570Ter (NM_001385913.1); c.1279C>T, p.Arg427Ter (NM_001385914.1); short protein forms R372*, R427*, R575*, R428*, R573*, R570*.
Identifiers: ClinVar variation 1511985 (VCV001511985.6), dbSNP rs371404578, ClinGen allele CA5019710.
Genomic context (GRCh38, chr9:32,480,270, plus strand): 5'-ACCACTCACCTTCAAATCTCTGAGTAAGATCTTGCTCAATCTCATCGAATCCTGCTGCTC[G>A]GACATTGCTGAAGAAGTCTTTCAAGTAATCCAGAGCATCTTTCATTCGTGCATGCTCACT-3'

ClinVar aggregate classification (germline): Uncertain significance. Review status: criteria provided, multiple submitters, no conflicts (2 of 4 stars). 2 submissions from 2 submitters: Uncertain significance (2). Last evaluated 2024-06-10.

Allele frequency attached by ClinVar (database versions not stated): gnomAD exomes 0.00001 and 0.00002; gnomAD 0.00003 and 0.00004; TOPMed 0.00003; ESP Exome Variant Server 0.00008.
gnomAD v4.1: 15 of 1,611,220 alleles (0.00093%); highest among the groups gnomAD compares: African/African-American, 0.0067%; no homozygotes.

Submissions (2):

Blueprint Genetics
Classification: Uncertain significance. Last evaluated: 2024-06-10. Review status: criteria provided, single submitter. Criteria: ACMG Guidelines, 2015. Collection method: clinical testing. Allele origin: germline.

Labcorp Genetics (formerly Invitae), Labcorp
Classification: Uncertain significance. Last evaluated: 2024-02-05. Review status: criteria provided, single submitter. Criteria: Invitae Variant Classification Sherloc (09022015). Collection method: clinical testing. Allele origin: germline.
Comment: This sequence change creates a premature translational stop signal (p.Arg575*) in the DDX58 gene. It is expected to result in an absent or disrupted protein product. However, the current clinical and genetic evidence is not sufficient to establish whether loss-of-function variants in DDX58 cause disease. This variant is present in population databases (rs371404578, gnomAD 0.004%). This variant has not been reported in the literature in individuals affected with DDX58-related conditions. ClinVar contains an entry for this variant (Variation ID: 1511985). In summary, the available evidence is currently insufficient to determine the role of this variant in disease. Therefore, it has been classified as a Variant of Uncertain Significance.